The following is an entry in ClinVar:

ClinVar aggregate classification (germline): Benign/Likely benign. Review status: criteria provided, multiple submitters, no conflicts (2 of 4 stars). 3 submissions from 3 submitters: Benign (1); Likely benign (2). Last evaluated 2025-12-09.

Conditions:
Hereditary cancer-predisposing syndrome. Also called: Neoplastic Syndromes, Hereditary; Tumor predisposition; Hereditary neoplastic syndrome; Hereditary Cancer Syndrome. Identifiers: Orphanet 140162, MedGen C0027672, MeSH D009386, MONDO:0015356.
Hereditary diffuse gastric adenocarcinoma (HDGC). Also called: DIFFUSE GASTRIC AND LOBULAR BREAST CANCER SYNDROME. Identifiers: Orphanet 26106, MedGen C1708349, MONDO:0007648, OMIM 137215.

Allele frequency attached by ClinVar (database versions not stated): gnomAD exomes below 0.00001; TOPMed below 0.00001.
gnomAD v4.1: 4 of 1,614,128 alleles (0.00025%); highest among the groups gnomAD compares: Non-Finnish European, 0.00034%; no homozygotes.

Submissions (3):

Labcorp Genetics (formerly Invitae), Labcorp
Classification: Likely benign. Last evaluated: 2025-12-09. Review status: criteria provided, single submitter. Criteria: Invitae Variant Classification Sherloc (09022015). Collection method: clinical testing. Allele origin: germline.

Myriad Genetics, Inc.
Classification: Benign for Hereditary diffuse gastric adenocarcinoma. Last evaluated: 2024-10-15. Review status: criteria provided, single submitter. Criteria: Myriad Autosomal Dominant, Autosomal Recessive and X-Linked Classification Criteria (2023). Collection method: clinical testing. Allele origin: unknown.
Comment: This variant is considered benign. This variant is a silent/synonymous amino acid change and it is not expected to impact splicing.

Ambry Genetics
Classification: Likely benign for Hereditary cancer-predisposing syndrome. Last evaluated: 2022-07-19. Review status: criteria provided, single submitter. Criteria: Ambry Variant Classification Scheme 2023. Collection method: clinical testing. Allele origin: germline.

NM_001903.5(CTNNA1):c.2331G>A (p.Leu777=)

Gene: CTNNA1 (catenin alpha 1; plus strand). Cytogenetic location: 5q31.2.
Variant type: single nucleotide variant.
Coding change: c.2331G>A on transcript NM_001903.5 (MANE Select); coding-DNA position 2331, G replaced by A.
Protein change: p.Leu777=; no amino-acid change (leucine 777 retained).
Molecular consequence: synonymous variant. On other transcripts: intron variant (1).
Genome position (GRCh38, 1-based): chr5:138,932,610, G>A. VCF-style: chr5-138932610-G-A. GRCh37 (hg19) VCF-style: chr5-138268299-G-A.
Other names: c.2331G>A, p.Leu777= (NM_001290307.3, NM_001323982.2, NM_001323983.1 and 2 more transcripts); c.2022G>A, p.Leu674= (NM_001290309.3); c.1962G>A, p.Leu654= (NM_001290310.3); c.1221G>A, p.Leu407= (NM_001290312.1, NM_001323987.1, NM_001323988.1 and 16 more transcripts); c.2238G>A, p.Leu746= (NM_001323986.2); c.882G>A, p.Leu294= (NM_001324006.1, NM_001324007.1, NM_001324008.1 and 2 more transcripts); c.1128G>A, p.Leu376= (NM_001324011.1); c.978G>A, p.Leu326= (NM_001324012.1, NM_001324013.1); and 1 more.
Identifiers: ClinVar variation 1789729 (VCV001789729.6), dbSNP rs1765611812, ClinGen allele CA446598184.